The following is an entry in ClinVar:

NM_001397406.1(FDX2):c.460G>A (p.Val154Met)

Genes: FDX2 (ferredoxin 2; minus strand), FDX2-ZGLP1 (FDX2-ZGLP1 readthrough (NMD candidate); minus strand). Cytogenetic location: 19p13.2.
Variant type: single nucleotide variant.
Coding change: c.460G>A on transcript NM_001397406.1 (MANE Select); coding-DNA position 460, G replaced by A.
Protein change: p.Val154Met; replaces valine 154 with methionine.
Molecular consequence: missense variant.
Genome position (GRCh38, 1-based): chr19:10,310,578, C>T on the plus strand (G>A on the coding strand, the complement: FDX2 is on the minus strand). VCF-style: chr19-10310578-C-T. GRCh37 (hg19) VCF-style: chr19-10421254-C-T.
Other names: c.469G>A, p.Val157Met (NM_001031734.4); short protein forms V157M, V154M.
Identifiers: ClinVar variation 1967318 (VCV001967318.5), dbSNP rs2512370036, ClinGen allele CA403978419.

ClinVar aggregate classification (germline): Uncertain significance (1 of 4 stars; one submission).

Submission:

Labcorp Genetics (formerly Invitae), Labcorp
Classification: Uncertain significance. Last evaluated: 2022-08-19. Review status: criteria provided, single submitter. Criteria: Invitae Variant Classification Sherloc (09022015). Collection method: clinical testing. Allele origin: germline.
Comment: In summary, the available evidence is currently insufficient to determine the role of this variant in disease. Therefore, it has been classified as a Variant of Uncertain Significance. This sequence change replaces valine, which is neutral and non-polar, with methionine, which is neutral and non-polar, at codon 157 of the FDX2 protein (p.Val157Met). This variant is not present in population databases (gnomAD no frequency). This variant has not been reported in the literature in individuals affected with FDX2-related conditions. Algorithms developed to predict the effect of missense changes on protein structure and function are either unavailable or do not agree on the potential impact of this missense change (SIFT: "Deleterious"; PolyPhen-2: "Not Available"; Align-GVGD: "Class C0").